The following is an entry in ClinVar:

NM_020719.3(PRR12):c.2822A>T (p.Asp941Val)

Gene: PRR12 (proline rich 12; plus strand). Cytogenetic location: 19q13.33.
Variant type: single nucleotide variant.
Coding change: c.2822A>T on transcript NM_020719.3 (MANE Select); coding-DNA position 2822, A replaced by T.
Protein change: p.Asp941Val; replaces aspartic acid 941 with valine.
Molecular consequence: missense variant.
Genome position (GRCh38, 1-based): chr19:49,597,157, A>T. VCF-style: chr19-49597157-A-T. GRCh37 (hg19) VCF-style: chr19-50100414-A-T.
Other names: short protein forms D941V.
Identifiers: ClinVar variation 3764484 (VCV003764484.1).

ClinVar aggregate classification (germline): Uncertain significance (1 of 4 stars; one submission).

gnomAD v4.1: 2 of 1,551,994 alleles (0.00013%); highest among the groups gnomAD compares: Non-Finnish European, 0.00017%; no homozygotes.

Submission:

GeneDx
Classification: Uncertain significance. Last evaluated: 2024-08-23. Review status: criteria provided, single submitter. Criteria: GeneDx Variant Classification Process June 2021. Collection method: clinical testing. Allele origin: germline. Affected: yes.
Comment: Not observed at significant frequency in large population cohorts (gnomAD); In silico analysis supports that this missense variant has a deleterious effect on protein structure/function; Has not been previously published as pathogenic or benign to our knowledge